The following is an entry in ClinVar:

NM_152703.5(SAMD9L):c.3961C>A (p.Gln1321Lys)

Gene: SAMD9L (sterile alpha motif domain containing 9 like; minus strand). Cytogenetic location: 7q21.2.
Variant type: single nucleotide variant.
Coding change: c.3961C>A on transcript NM_152703.5 (MANE Select); coding-DNA position 3961, C replaced by A.
Protein change: p.Gln1321Lys; replaces glutamine 1321 with lysine.
Molecular consequence: missense variant.
Genome position (GRCh38, 1-based): chr7:93,132,011, G>T on the plus strand (C>A on the coding strand, the complement: SAMD9L is on the minus strand). VCF-style: chr7-93132011-G-T. GRCh37 (hg19) VCF-style: chr7-92761324-G-T.
Other names: c.3961C>A, p.Gln1321Lys (NM_001303496.3, NM_001303497.3, NM_001303498.3 and 5 more transcripts); short protein forms Q1321K.
Identifiers: ClinVar variation 3949886 (VCV003949886.1).
Genomic context (GRCh38, chr7:93,132,011, plus strand): 5'-CAAACCTATCTGCTCTCAGAGCTTCTAGCTTTTTCCTGCAATTCTCCTCCTGGAGTAATT[G>T]ACTCTCTTTACTTTGTAATAGACATGGATCCAAATGACAGAAAAGTTCTGTGTATTTCCT-3'
Protein context (NP_689916.2, residues 1311-1331): DPCLLQSKES[Gln1321Lys]LLQEENCRKK

ClinVar aggregate classification (germline): Uncertain significance (1 of 4 stars; one submission).

Conditions:
Inborn genetic diseases. Identifiers: MedGen C0950123, MeSH D030342.

Submission:

Ambry Genetics
Classification: Uncertain significance for Inborn genetic diseases. Last evaluated: 2025-05-01. Review status: criteria provided, single submitter. Criteria: Ambry Variant Classification Scheme 2023. Collection method: clinical testing. Allele origin: germline.
Comment: The p.Q1321K variant (also known as c.3961C>A), located in coding exon 1 of the SAMD9L gene, results from a C to A substitution at nucleotide position 3961. The glutamine at codon 1321 is replaced by lysine, an amino acid with similar properties. This amino acid position is conserved. In addition, this alteration is predicted to be tolerated by in silico analysis. Based on the available evidence, the clinical significance of this variant remains unclear.